The following is an entry in ClinVar:

ClinVar aggregate classification (germline): Uncertain significance (1 of 4 stars; one submission).

Submission:

GeneDx
Classification: Uncertain significance. Last evaluated: 2024-11-03. Review status: criteria provided, single submitter. Criteria: GeneDx Variant Classification Process June 2021. Collection method: clinical testing. Allele origin: germline. Affected: yes.
Comment: Not observed at significant frequency in large population cohorts (gnomAD); In silico analysis supports that this missense variant has a deleterious effect on protein structure/function; Has not been previously published as pathogenic or benign to our knowledge

NM_003024.3(ITSN1):c.2785G>T (p.Asp929Tyr)

Gene: ITSN1 (intersectin 1; plus strand). Cytogenetic location: 21q22.11.
Variant type: single nucleotide variant.
Coding change: c.2785G>T on transcript NM_003024.3 (MANE Select); coding-DNA position 2785, G replaced by T.
Protein change: p.Asp929Tyr; replaces aspartic acid 929 with tyrosine.
Molecular consequence: missense variant.
Genome position (GRCh38, 1-based): chr21:33,818,324, G>T. VCF-style: chr21-33818324-G-T. GRCh37 (hg19) VCF-style: chr21-35190628-G-T.
Other names: c.2785G>T, p.Asp929Tyr (NM_001001132.2, NM_001331008.2); c.2770G>T, p.Asp924Tyr (NM_001331009.2, NM_001331010.2, NM_001331011.2); c.2659G>T, p.Asp887Tyr (NM_001331012.2); short protein forms D887Y, D924Y, D929Y.
Identifiers: ClinVar variation 3899571 (VCV003899571.1).
Genomic context (GRCh38, chr21:33,818,324, plus strand): 5'-AAGGGTGAAAAGGTGGAGGGGCTACAAGCTCAAGCCCTATATCCTTGGAGAGCCAAAAAA[G>T]ACAACCACTTAAATTTTAACAAAAATGATGTCATCACCGTCCTGGAACAGCAAGACATGT-3'
Protein context (NP_003015.2, residues 919-939): QALYPWRAKK[Asp929Tyr]NHLNFNKNDV